The following is an entry in ClinVar:

NM_020376.4(PNPLA2):c.661C>T (p.Arg221Cys)

Gene: PNPLA2 (patatin like domain 2, triacylglycerol lipase; plus strand). Cytogenetic location: 11p15.5.
Variant type: single nucleotide variant.
Coding change: c.661C>T on transcript NM_020376.4 (MANE Select); coding-DNA position 661, C replaced by T.
Protein change: p.Arg221Cys; replaces arginine 221 with cysteine.
Molecular consequence: missense variant.
Genome position (GRCh38, 1-based): chr11:822,571, C>T. VCF-style: chr11-822571-C-T. GRCh37 (hg19) VCF-style: chr11-822571-C-T.
Other names: short protein forms R221C.
Identifiers: ClinVar variation 534194 (VCV000534194.9), dbSNP rs538014722, ClinGen allele CA5791079.

ClinVar aggregate classification (germline): Uncertain significance. Review status: criteria provided, multiple submitters, no conflicts (2 of 4 stars). 2 submissions from 2 submitters: Uncertain significance (2). Last evaluated 2023-11-21.

Conditions:
Neutral lipid storage myopathy (NLSDM). Also called: NEUTRAL LIPID STORAGE DISEASE WITHOUT ICHTHYOSIS. Identifiers: Orphanet 98908, MedGen C1853136, MONDO:0012545, OMIM 610717.

Allele frequency attached by ClinVar (database versions not stated): gnomAD exomes 0.00001; ExAC 0.00002; gnomAD 0.00003 and 0.00004; TOPMed 0.00003; 1000 Genomes Project 30x 0.00016; 1000 Genomes Project 0.00020.
gnomAD v4.1: 17 of 1,613,954 alleles (0.0011%); highest among the groups gnomAD compares: East Asian, 0.0045%; no homozygotes.

Submissions (2):

Revvity Omics, Revvity
Classification: Uncertain significance for Neutral lipid storage myopathy. Last evaluated: 2023-11-21. Review status: criteria provided, single submitter. Criteria: ACMG Guidelines, 2015. Collection method: clinical testing. Allele origin: germline.

Labcorp Genetics (formerly Invitae), Labcorp
Classification: Uncertain significance for Neutral lipid storage myopathy. Last evaluated: 2022-06-04. Review status: criteria provided, single submitter. Criteria: Invitae Variant Classification Sherloc (09022015). Collection method: clinical testing. Allele origin: germline.
Comment: This sequence change replaces arginine, which is basic and polar, with cysteine, which is neutral and slightly polar, at codon 221 of the PNPLA2 protein (p.Arg221Cys). This variant is present in population databases (rs538014722, gnomAD 0.006%). This variant has not been reported in the literature in individuals affected with PNPLA2-related conditions. ClinVar contains an entry for this variant (Variation ID: 534194). Algorithms developed to predict the effect of missense changes on protein structure and function (SIFT, PolyPhen-2, Align-GVGD) all suggest that this variant is likely to be disruptive. In summary, the available evidence is currently insufficient to determine the role of this variant in disease. Therefore, it has been classified as a Variant of Uncertain Significance.